The following is an entry in ClinVar:

ClinVar aggregate classification (germline): Pathogenic/Likely pathogenic. Review status: criteria provided, multiple submitters, no conflicts (2 of 4 stars). 2 submissions from 2 submitters: Pathogenic (1); Likely pathogenic (1). Last evaluated 2025-07-16.

Conditions:
Osteogenesis imperfecta with normal sclerae, dominant form (OI4). Also called: Osteogenesis Imperfecta Type IV; OSTEOGENESIS IMPERFECTA, TYPE IV, WITH DENTINOGENESIS IMPERFECTA; OSTEOGENESIS IMPERFECTA WITH NORMAL SCLERAE; Osteogenesis imperfecta type 4; Common Variable Osteogenesis Imperfecta with Normal Sclerae. Identifiers: Orphanet 216820, Orphanet 666, MedGen C0268363, MONDO:0008148, OMIM 166220.
Osteogenesis imperfecta type I (OI1). Also called: Lobstein disease; OI, TYPE I; OSTEOGENESIS IMPERFECTA TARDA; OSTEOGENESIS IMPERFECTA WITH BLUE SCLERAE; Osteogenesis imperfecta type 1; Lobstein's Disease. Identifiers: Orphanet 216796, Orphanet 666, MedGen C0023931, MONDO:0008146, OMIM 166200. Disease mechanism: loss of function.
Ehlers-Danlos syndrome, classic type, 1 (EDSCL1). Also called: EDS I; EHLERS-DANLOS SYNDROME, GRAVIS TYPE; EHLERS-DANLOS SYNDROME, SEVERE CLASSIC TYPE; Ehlers-Danlos syndrome, type 1; Ehlers-Danlos Syndrome, Classic Type, COL5A1-Related. Identifiers: MedGen C0268335, MONDO:0019567, OMIM 130000.

Submissions (2):

Clinical Biomedical Laboratory, Shriners Hospital For Children - Canada
Classification: Pathogenic for Osteogenesis imperfecta with normal sclerae, dominant form. Last evaluated: 2025-07-16. Review status: criteria provided, single submitter. Criteria: ACMG Guidelines, 2015. Collection method: clinical testing. Allele origin: germline. Affected: yes.
Comment: This variant is predicted to substitute a glycine residue by a serine residue in the triple helical domain of the collagen type I alpha 2 chain. Glycine substitutions in the triple helical domain of collagen type I cause disruption in the formation of the triple helix in the collagen type I molecule and are a typical cause of osteogenesis imperfecta. In the Genome Aggregation Database (v2.1.1) this variant is not present. Prediction tools (REVEL: 0.98) suggest that the change is damaging to protein function.

Labcorp Genetics (formerly Invitae), Labcorp
Classification: Likely pathogenic for Osteogenesis imperfecta type I; Ehlers-Danlos syndrome, classic type, 1. Last evaluated: 2023-04-09. Review status: criteria provided, single submitter. Criteria: Invitae Variant Classification Sherloc (09022015). Collection method: clinical testing. Allele origin: germline.
Comment: This variant disrupts the triple helix domain of COL1A2. Glycine residues within the Gly-Xaa-Yaa repeats of the triple helix domain are required for the structure and stability of fibrillar collagens (PMID: 7695699, 8218237, 19344236). In COL1A2, variants affecting these glycine residues are significantly enriched in individuals with disease (PMID: 9016532, 17078022) compared to the general population (ExAC). This variant disrupts the p.Gly331 amino acid residue in COL1A2. Other variant(s) that disrupt this residue have been observed in individuals with COL1A2-related conditions (PMID: 10408781, 17078022, 27510842), which suggests that this may be a clinically significant amino acid residue. In summary, the currently available evidence indicates that the variant is pathogenic, but additional data are needed to prove that conclusively. Therefore, this variant has been classified as Likely Pathogenic. This variant has not been reported in the literature in individuals affected with COL1A2-related conditions. Advanced modeling of protein sequence and biophysical properties (such as structural, functional, and spatial information, amino acid conservation, physicochemical variation, residue mobility, and thermodynamic stability) performed at Invitae indicates that this missense variant is expected to disrupt COL1A2 protein function. This variant is not present in population databases (gnomAD no frequency). This sequence change replaces glycine, which is neutral and non-polar, with serine, which is neutral and polar, at codon 331 of the COL1A2 protein (p.Gly331Ser).

Literature cited by the submitters: PubMed 7695699 (cited by Labcorp Genetics (formerly Invitae), Labcorp); PubMed 8218237 (cited by Labcorp Genetics (formerly Invitae), Labcorp); PubMed 19344236 (cited by Labcorp Genetics (formerly Invitae), Labcorp); PubMed 9016532 (cited by Labcorp Genetics (formerly Invitae), Labcorp); PubMed 17078022 (cited by Labcorp Genetics (formerly Invitae), Labcorp); PubMed 10408781 (cited by Labcorp Genetics (formerly Invitae), Labcorp); PubMed 27510842 (cited by Labcorp Genetics (formerly Invitae), Labcorp).

NM_000089.4(COL1A2):c.991G>A (p.Gly331Ser)

Gene: COL1A2 (collagen type I alpha 2 chain; plus strand). Cytogenetic location: 7q21.3.
Variant type: single nucleotide variant.
Coding change: c.991G>A on transcript NM_000089.4 (MANE Select); coding-DNA position 991, G replaced by A.
Protein change: p.Gly331Ser; replaces glycine 331 with serine.
Molecular consequence: missense variant.
Genome position (GRCh38, 1-based): chr7:94,409,777, G>A. VCF-style: chr7-94409777-G-A. GRCh37 (hg19) VCF-style: chr7-94039089-G-A.
Other names: short protein forms G331S.
Identifiers: ClinVar variation 2946398 (VCV002946398.4), dbSNP rs2484708328, ClinGen allele CA368220929.